The following is an entry in ClinVar:

ClinVar aggregate classification (germline): Likely benign (1 of 4 stars; one submission).

gnomAD v4.1: 89 of 1,612,118 alleles (0.0055%); highest among the groups gnomAD compares: South Asian, 0.0077%; no homozygotes.

Submission:

CeGaT Center for Human Genetics Tuebingen
Classification: Likely benign. Last evaluated: 2026-08-01. Review status: criteria provided, single submitter. Criteria: CeGaT Center For Human Genetics Tuebingen Variant Classification Criteria Version 2. Collection method: clinical testing. Allele origin: germline. Affected: yes. Observed: 1 variant allele.
Comment: FBXW7: BP4, BP7

NM_001349798.2(FBXW7):c.1098G>A (p.Arg366=)

Gene: FBXW7 (F-box and WD repeat domain containing 7; minus strand). Cytogenetic location: 4q31.3.
Variant type: single nucleotide variant.
Coding change: c.1098G>A on transcript NM_001349798.2 (MANE Select); coding-DNA position 1098, G replaced by A.
Protein change: p.Arg366=; no amino-acid change (arginine 366 retained).
Molecular consequence: synonymous variant.
Genome position (GRCh38, 1-based): chr4:152,330,756, C>T on the plus strand (G>A on the coding strand, the complement: FBXW7 is on the minus strand). VCF-style: chr4-152330756-C-T. GRCh37 (hg19) VCF-style: chr4-153251908-C-T.
Other names: c.744G>A, p.Arg248= (NM_001013415.2); c.858G>A, p.Arg286= (NM_018315.5); c.1098G>A, p.Arg366= (NM_033632.3).
Identifiers: ClinVar variation 5038574 (VCV005038574.1).